The following is an entry in ClinVar:

NM_001017420.3(ESCO2):c.991_1001del (p.Ala331fs)

Gene: ESCO2 (establishment of sister chromatid cohesion N-acetyltransferase 2; plus strand). Cytogenetic location: 8p21.1.
Variant type: Deletion.
Coding change: c.991_1001del on transcript NM_001017420.3 (MANE Select); coding-DNA positions 991 to 1001, 11 bases deleted (GCATCTTCAGT).
Protein change: p.Ala331fs; shifts the reading frame from alanine 331.
Molecular consequence: frameshift variant.
Genome position (GRCh38, 1-based): chr8:27,784,035-27,784,045, GCATCTTCAGT deleted; deleting any 11 consecutive bases within chr8:27,784,026-27,784,045 gives the same sequence; the c. name uses the placement nearest the transcript's 3' end. VCF-style (leftmost placement, unchanged base first): chr8-27784025-AATCTTCAGTGC-A. GRCh37 (hg19) VCF-style: chr8-27641542-AATCTTCAGTGC-A.
Other names: short protein forms A331fs.
Identifiers: ClinVar variation 2835189 (VCV002835189.3), dbSNP rs2486644720, ClinGen allele CA2739279458.

ClinVar aggregate classification (germline): Pathogenic (1 of 4 stars; one submission).

Submission:

Labcorp Genetics (formerly Invitae), Labcorp
Classification: Pathogenic. Last evaluated: 2023-02-07. Review status: criteria provided, single submitter. Criteria: Invitae Variant Classification Sherloc (09022015). Collection method: clinical testing. Allele origin: germline.
Comment: For these reasons, this variant has been classified as Pathogenic. Algorithms developed to predict the effect of sequence changes on RNA splicing suggest that this variant may disrupt the consensus splice site. This variant has not been reported in the literature in individuals affected with ESCO2-related conditions. This variant is not present in population databases (gnomAD no frequency). This sequence change creates a premature translational stop signal (p.Ala331Glnfs*8) in the ESCO2 gene. It is expected to result in an absent or disrupted protein product. Loss-of-function variants in ESCO2 are known to be pathogenic (PMID: 15821733, 16380922).

Literature cited by the submitters: PubMed 15821733; PubMed 16380922.